The following is an entry in ClinVar:

NM_003482.4(KMT2D):c.12673CTC[1] (p.Leu4226del)

Gene: KMT2D (lysine methyltransferase 2D; minus strand). Cytogenetic location: 12q13.12.
Variant type: Microsatellite.
Coding change: c.12673CTC[1] on transcript NM_003482.4 (MANE Select); one copy of the 3-base unit CTC starting at c.12673; the reference has two copies in a row; one copy, 3 bases deleted.
Protein change: p.Leu4226del; deletes leucine 4226.
Molecular consequence: inframe deletion. On other transcripts: inframe indel (1).
Genome position (GRCh38, 1-based): chr12:49,032,027-49,032,029, GAG deleted on the plus strand (CTC on the coding strand, the reverse complement: KMT2D is on the minus strand); deleting any 3 consecutive bases within chr12:49,032,027-49,032,032 gives the same sequence; the position shown is the placement nearest the transcript's 3' end. VCF-style (leftmost placement, unchanged base first): chr12-49032026-TGAG-T. GRCh37 (hg19) VCF-style: chr12-49425809-TGAG-T.
Other names: c.12673_12675CTC[1], p.Leu4226del (NM_003482.3); c.12676_12678delCTC (NM_003482.3); short protein forms L4226del.
Identifiers: ClinVar variation 4693902 (VCV004693902.2).

ClinVar aggregate classification (germline): Uncertain significance. Review status: criteria provided, multiple submitters, no conflicts (2 of 4 stars). 2 submissions from 2 submitters: Uncertain significance (2). Last evaluated 2025-01-30.

Conditions:
KMT2D-related disorder. Also called: KMT2D-Related Disorders.
Kabuki syndrome. Also called: NIIKAWA-KUROKI SYNDROME; Kabuki make-up syndrome. Identifiers: Orphanet 2322, MedGen C0796004, MONDO:0016512.

Submissions (2):

Labcorp Genetics (formerly Invitae), Labcorp
Classification: Uncertain significance for Kabuki syndrome. Last evaluated: 2025-01-30. Review status: criteria provided, single submitter. Criteria: Invitae Variant Classification Sherloc (09022015). Collection method: clinical testing. Allele origin: germline.
Comment: This variant, c.12676_12678del, results in the deletion of 1 amino acid(s) of the KMT2D protein (p.Leu4226del), but otherwise preserves the integrity of the reading frame. This variant is present in population databases (rs777996753, gnomAD 0.002%). This variant has not been reported in the literature in individuals affected with KMT2D-related conditions. In summary, the available evidence is currently insufficient to determine the role of this variant in disease. Therefore, it has been classified as a Variant of Uncertain Significance.

PreventionGenetics, part of Exact Sciences
Classification: Uncertain significance for KMT2D-related condition. Last evaluated: 2025-01-17. Review status: criteria provided, single submitter. Criteria: ACMG Guidelines, 2015. Collection method: clinical testing. Allele origin: germline.
Comment: The KMT2D c.12676_12678delCTC variant is predicted to result in an in-frame deletion (p.Leu4226del). To our knowledge, this variant has not been reported in the literature. This variant is reported in 0.0018% of alleles in individuals of European (Non-Finnish) descent in gnomAD. At this time, the clinical significance of this variant is uncertain due to the absence of conclusive functional and genetic evidence.